The following is an entry in ClinVar:

NM_015164.4(PLEKHM2):c.1751C>T (p.Ser584Leu)

Gene: PLEKHM2 (pleckstrin homology and RUN domain containing M2; plus strand). Cytogenetic location: 1p36.21.
Variant type: single nucleotide variant.
Coding change: c.1751C>T on transcript NM_015164.4 (MANE Select); coding-DNA position 1751, C replaced by T.
Protein change: p.Ser584Leu; replaces serine 584 with leucine.
Molecular consequence: missense variant.
Genome position (GRCh38, 1-based): chr1:15,727,823, C>T. VCF-style: chr1-15727823-C-T. GRCh37 (hg19) VCF-style: chr1-16054318-C-T.
Other names: c.1691C>T, p.Ser564Leu (NM_001410755.1); short protein forms S564L, S584L.
Identifiers: ClinVar variation 3307690 (VCV003307690.3).

ClinVar aggregate classification (germline): Uncertain significance. Review status: criteria provided, multiple submitters, no conflicts (2 of 4 stars). 2 submissions from 2 submitters: Uncertain significance (2). Last evaluated 2024-08-27.

gnomAD v4.1: 16 of 1,574,956 alleles (0.001%); highest among the groups gnomAD compares: Middle Eastern, 0.017%; no homozygotes.

Submissions (2):

Labcorp Genetics (formerly Invitae), Labcorp
Classification: Uncertain significance. Last evaluated: 2024-08-27. Review status: criteria provided, single submitter. Criteria: Invitae Variant Classification Sherloc (09022015). Collection method: clinical testing. Allele origin: germline.
Comment: This sequence change replaces serine, which is neutral and polar, with leucine, which is neutral and non-polar, at codon 584 of the PLEKHM2 protein (p.Ser584Leu). The frequency data for this variant in the population databases is considered unreliable, as metrics indicate poor data quality at this position in the gnomAD database. This variant has not been reported in the literature in individuals affected with PLEKHM2-related conditions. An algorithm developed to predict the effect of missense changes on protein structure and function (PolyPhen-2) suggests that this variant is likely to be tolerated. In summary, the available evidence is currently insufficient to determine the role of this variant in disease. Therefore, it has been classified as a Variant of Uncertain Significance.

Ambry Genetics
Classification: Uncertain significance. Last evaluated: 2024-06-16. Review status: criteria provided, single submitter. Criteria: Ambry Variant Classification Scheme 2023. Collection method: clinical testing. Allele origin: germline.